The following is an entry in ClinVar:

ClinVar aggregate classification (germline): Uncertain significance (1 of 4 stars; one submission).

Conditions:
Bethlem myopathy 1A. Also called: MYOPATHY, BENIGN CONGENITAL, WITH CONTRACTURES; Bethlem myopathy 1; Bethlem Muscular Dystrophy. Identifiers: Orphanet 610, MedGen CN029274, MONDO:0024530, OMIM 158810.

Submission:

Labcorp Genetics (formerly Invitae), Labcorp
Classification: Uncertain significance for Bethlem myopathy 1A. Last evaluated: 2023-07-03. Review status: criteria provided, single submitter. Criteria: Invitae Variant Classification Sherloc (09022015). Collection method: clinical testing. Allele origin: germline.
Comment: This sequence change falls in intron 12 of the COL6A3 gene. It does not directly change the encoded amino acid sequence of the COL6A3 protein. This variant is not present in population databases (gnomAD no frequency). This variant has not been reported in the literature in individuals affected with COL6A3-related conditions. ClinVar contains an entry for this variant (Variation ID: 2021756). Algorithms developed to predict the effect of sequence changes on RNA splicing suggest that this variant may create or strengthen a splice site. In summary, the available evidence is currently insufficient to determine the role of this variant in disease. Therefore, it has been classified as a Variant of Uncertain Significance.

NM_004369.4(COL6A3):c.5838+9G>C

Gene: COL6A3 (collagen type VI alpha 3 chain; minus strand). Cytogenetic location: 2q37.3.
Variant type: single nucleotide variant.
Coding change: c.5838+9G>C on transcript NM_004369.4 (MANE Select); 9 bases into the intron after coding-DNA position 5838, G replaced by C.
Molecular consequence: intron variant.
Genome position (GRCh38, 1-based): chr2:237,365,689, C>G on the plus strand (G>C on the coding strand, the complement: COL6A3 is on the minus strand). VCF-style: chr2-237365689-C-G. GRCh37 (hg19) VCF-style: chr2-238274332-C-G.
Other names: c.4017+9G>C (NM_057166.5); c.5220+9G>C (NM_057167.4).
Identifiers: ClinVar variation 2021756 (VCV002021756.4), dbSNP rs2077533801, ClinGen allele CA2580066103.